The following is an entry in ClinVar:

NM_006118.4(HAX1):c.59G>T (p.Arg20Ile)

Gene: HAX1 (HCLS1 associated protein X-1; plus strand). Cytogenetic location: 1q21.3.
Variant type: single nucleotide variant.
Coding change: c.59G>T on transcript NM_006118.4 (MANE Select); coding-DNA position 59, G replaced by T.
Protein change: p.Arg20Ile; replaces arginine 20 with isoleucine.
Molecular consequence: missense variant. On other transcripts: intron variant (1).
Genome position (GRCh38, 1-based): chr1:154,273,341, G>T. VCF-style: chr1-154273341-G-T. GRCh37 (hg19) VCF-style: chr1-154245817-G-T.
Other names: NC_000001.10:g.154245817G>T; c.54-139G>T (NM_001018837.2); short protein forms R20I.
Identifiers: ClinVar variation 4523249 (VCV004523249.2).

ClinVar aggregate classification (germline): Uncertain significance (1 of 4 stars; one submission).

Conditions:
Inborn genetic diseases. Identifiers: MedGen C0950123, MeSH D030342.

gnomAD v4.1: 2 of 1,613,924 alleles (0.00012%); highest among the groups gnomAD compares: Non-Finnish European, 0.00017%; no homozygotes.

Submissions (2):

Ambry Genetics
Classification: Uncertain significance for Inborn genetic diseases. Last evaluated: 2026-02-24. Review status: criteria provided, single submitter. Criteria: Ambry Variant Classification Scheme 2023. Collection method: clinical testing. Allele origin: germline.
Comment: The p.R20I variant (also known as c.59G>T), located in coding exon 2 of the HAX1 gene, results from a G to T substitution at nucleotide position 59. The arginine at codon 20 is replaced by isoleucine, an amino acid with similar properties. This amino acid position is conserved. In addition, the in silico prediction for this alteration is inconclusive. Based on the available evidence, the clinical significance of this variant remains unclear.

Dr. Peter K. Rogan Lab, Western University
No classification provided (evidence only). Condition: Melanoma. Review status: no classification provided. Collection method: in vitro. Allele origin: not applicable. Functional consequence: cryptic splice site, retained intron. Not counted in ClinVar's aggregate classification.